The following is an entry in ClinVar:

ClinVar aggregate classification (germline): Conflicting classifications of pathogenicity. Review status: criteria provided, conflicting classifications (1 of 4 stars). 9 submissions from 9 submitters: Uncertain significance (7); Likely benign (1). 1 of the submissions does not count toward it. Last evaluated 2026-09-10.

Conditions:
Hereditary cancer-predisposing syndrome. Also called: Tumor predisposition; Neoplastic Syndromes, Hereditary; Hereditary Cancer Syndrome; Hereditary neoplastic syndrome. Identifiers: Orphanet 140162, MedGen C0027672, MeSH D009386, MONDO:0015356.
Peutz-Jeghers syndrome (PJS). Also called: POLYPOSIS, HAMARTOMATOUS INTESTINAL; POLYPS-AND-SPOTS SYNDROME; Peutz-Jeghers polyposis; Periorificial lentiginosis syndrome. Identifiers: Orphanet 2869, MedGen C0031269, MeSH D010580, MONDO:0008280, OMIM 175200.

Allele frequency attached by ClinVar (database versions not stated): gnomAD 0.00003; TOPMed 0.00001.
gnomAD v4.1: 26 of 1,562,492 alleles (0.0017%); highest among the groups gnomAD compares: Non-Finnish European, 0.0022%; no homozygotes.

Submissions (9):

Ambry Genetics
Classification: Uncertain significance for Hereditary cancer-predisposing syndrome. Last evaluated: 2026-09-10. Review status: criteria provided, single submitter. Criteria: Ambry Variant Classification Scheme 2023. Collection method: clinical testing. Allele origin: germline.
Comment: The p.A420S variant (also known as c.1258G>T), located in coding exon 9 of the STK11 gene, results from a G to T substitution at nucleotide position 1258. The alanine at codon 420 is replaced by serine, an amino acid with similar properties. This amino acid position is not well conserved in available vertebrate species. In addition, this alteration is predicted to be tolerated by in silico analysis. Based on the available evidence, the clinical significance of this variant remains unclear.

Labcorp Genetics (formerly Invitae), Labcorp
Classification: Likely benign for Peutz-Jeghers syndrome. Last evaluated: 2025-12-30. Review status: criteria provided, single submitter. Criteria: Invitae Variant Classification Sherloc (09022015). Collection method: clinical testing. Allele origin: germline.

Color Diagnostics, LLC DBA Color Health
Classification: Uncertain significance for Hereditary cancer-predisposing syndrome. Last evaluated: 2024-03-05. Review status: criteria provided, single submitter. Criteria: ACMG Guidelines, 2015. Collection method: clinical testing. Allele origin: germline.
Comment: This missense variant replaces alanine with serine at codon 420 of the STK11 protein. Computational prediction suggests that this variant may not impact protein structure and function. To our knowledge, functional studies have not been reported for this variant. This variant has been reported in a case-control study of individuals affected with colorectal cancer but it was unclear if the variant was found in affected individuals or the control group (PMID: 28944238). This variant has been identified in 4/193480 chromosomes in the general population by the Genome Aggregation Database (gnomAD). The available evidence is insufficient to determine the role of this variant in disease conclusively. Therefore, this variant is classified as a Variant of Uncertain Significance.

All of Us Research Program, National Institutes of Health
Classification: Uncertain significance for Peutz-Jeghers syndrome. Last evaluated: 2023-11-30. Review status: criteria provided, single submitter. Criteria: ACMG Guidelines, 2015. Collection method: clinical testing. Allele origin: germline. Inheritance: Autosomal dominant inheritance. Observed: 1 variant allele, 1 heterozygote.
Comment: This study involves interpretation of variants in research participants for the purpose of population health screening. Participant phenotype was not available at the time of variant classification. Additional details can be found in publication PMID: 35346344, PMCID: PMC8962531

GeneDx
Classification: Uncertain significance. Last evaluated: 2023-04-26. Review status: criteria provided, single submitter. Criteria: GeneDx Variant Classification Process June 2021. Collection method: clinical testing. Allele origin: germline. Affected: yes.
Comment: Not observed at significant frequency in large population cohorts (gnomAD); In silico analysis supports that this missense variant does not alter protein structure/function; Identified in an individual with young-onset colorectal cancer (DeRycke et al., 2017); This variant is associated with the following publications: (PMID: 32579932, 29338072, 28900777, 28944238, 19145097)

Myriad Genetics, Inc.
Classification: Uncertain significance for Peutz-Jeghers syndrome. Last evaluated: 2023-04-12. Review status: criteria provided, single submitter. Criteria: Myriad Autosomal Dominant, Autosomal Recessive and X-Linked Classification Criteria (2023). Collection method: clinical testing. Allele origin: unknown.
Comment: This variant is classified as a variant of uncertain significance as there is insufficient evidence to determine its impact on protein function and/or cancer risk.

Genome-Nilou Lab
Classification: Uncertain significance for Peutz-Jeghers syndrome. Last evaluated: 2021-07-15. Review status: criteria provided, single submitter. Criteria: ACMG Guidelines, 2015. Collection method: clinical testing. Allele origin: germline. Affected: no.

Quest Diagnostics Nichols Institute San Juan Capistrano
Classification: Uncertain significance. Last evaluated: 2018-07-14. Review status: criteria provided, single submitter. Criteria: Quest Diagnostics criteria. Collection method: clinical testing. Allele origin: germline.

Counsyl
Classification: Uncertain significance for Peutz-Jeghers syndrome. Last evaluated: 2018-03-30. Review status: no assertion criteria provided. Collection method: clinical testing. Allele origin: unknown. Not counted in ClinVar's aggregate classification.

Literature cited by the submitters: PubMed 28944238 (cited by Color Diagnostics, LLC DBA Color Health and Counsyl).

NM_000455.5(STK11):c.1258G>T (p.Ala420Ser)

Gene: STK11 (serine/threonine kinase 11; plus strand). Cytogenetic location: 19p13.3.
Variant type: single nucleotide variant.
Coding change: c.1258G>T on transcript NM_000455.5 (MANE Select); coding-DNA position 1258, G replaced by T.
Protein change: p.Ala420Ser; replaces alanine 420 with serine.
Molecular consequence: missense variant.
Genome position (GRCh38, 1-based): chr19:1,226,603, G>T. VCF-style: chr19-1226603-G-T. GRCh37 (hg19) VCF-style: chr19-1226602-G-T.
Other names: short protein forms A420S.
Identifiers: ClinVar variation 232630 (VCV000232630.26), dbSNP rs762482152, ClinGen allele CA046161.